The following is an entry in ClinVar:

NM_017841.4(SDHAF2):c.276A>C (p.Glu92Asp)

Gene: SDHAF2 (succinate dehydrogenase complex assembly factor 2; plus strand). Cytogenetic location: 11q12.2.
Variant type: single nucleotide variant.
Coding change: c.276A>C on transcript NM_017841.4 (MANE Select); coding-DNA position 276, A replaced by C.
Protein change: p.Glu92Asp; replaces glutamic acid 92 with aspartic acid.
Molecular consequence: missense variant.
Genome position (GRCh38, 1-based): chr11:61,438,019, A>C. VCF-style: chr11-61438019-A-C. GRCh37 (hg19) VCF-style: chr11-61205491-A-C.
Other names: short protein forms E92D.
Identifiers: ClinVar variation 1473206 (VCV001473206.6), dbSNP rs2134892782, ClinGen allele CA380684042.

ClinVar aggregate classification (germline): Uncertain significance (1 of 4 stars; one submission).

Conditions:
Hereditary pheochromocytoma and paraganglioma. Also called: Hereditary paragangliomas and pheochromocytomas; Hereditary Paraganglioma-Pheochromocytoma Syndromes; Hereditary pheochromocytoma-paraganglioma. Identifiers: Orphanet 29072, MedGen C4274332, MONDO:0017366.

Submission:

Labcorp Genetics (formerly Invitae), Labcorp
Classification: Uncertain significance for Hereditary pheochromocytoma and paraganglioma. Last evaluated: 2021-09-05. Review status: criteria provided, single submitter. Criteria: Invitae Variant Classification Sherloc (09022015). Collection method: clinical testing. Allele origin: germline.
Comment: This variant is not present in population databases (ExAC no frequency). This sequence change replaces glutamic acid with aspartic acid at codon 92 of the SDHAF2 protein (p.Glu92Asp). The glutamic acid residue is weakly conserved and there is a small physicochemical difference between glutamic acid and aspartic acid. Algorithms developed to predict the effect of missense changes on protein structure and function are either unavailable or do not agree on the potential impact of this missense change (SIFT: "Tolerated"; PolyPhen-2: "Possibly Damaging"; Align-GVGD: "Class C0"). This variant has not been reported in the literature in individuals affected with SDHAF2-related conditions. In summary, the available evidence is currently insufficient to determine the role of this variant in disease. Therefore, it has been classified as a Variant of Uncertain Significance.